The following is an entry in ClinVar:

NM_174936.4(PCSK9):c.34C>A (p.Pro12Thr)

Gene: PCSK9 (proprotein convertase subtilisin/kexin type 9; plus strand). Cytogenetic location: 1p32.3.
Variant type: single nucleotide variant.
Coding change: c.34C>A on transcript NM_174936.4 (MANE Select); coding-DNA position 34, C replaced by A.
Protein change: p.Pro12Thr; replaces proline 12 with threonine.
Molecular consequence: missense variant.
Genome position (GRCh38, 1-based): chr1:55,039,871, C>A. VCF-style: chr1-55039871-C-A. GRCh37 (hg19) VCF-style: chr1-55505544-C-A.
Other names: short protein forms P12T.
Identifiers: ClinVar variation 922275 (VCV000922275.11), dbSNP rs968023760, ClinGen allele CA22791800.

ClinVar aggregate classification (germline): Uncertain significance. Review status: criteria provided, multiple submitters, no conflicts (2 of 4 stars). 5 submissions from 5 submitters: Uncertain significance (5). Last evaluated 2025-10-18.

Conditions:
Cardiovascular phenotype. Identifiers: MedGen CN230736.
Familial hypercholesterolemia. Also called: Familial hypercholesterolemias; Familial hypercholesterolaemia. Identifiers: MedGen C0020445, MONDO:0005439.
Hypercholesterolemia, autosomal dominant, 3 (FHCL3). Also called: Familial hypercholesterolemia 3; Familial Hypercholesterolemia, Autosomal Dominant, 3; PCSK9-Related Familial Hypercholesterolemia, Autosomal Dominant. Identifiers: MedGen C1863551, MONDO:0011369, OMIM 603776.

Allele frequency attached by ClinVar (database versions not stated): TOPMed below 0.00001; gnomAD 0.00001; gnomAD exomes 0.00001.
gnomAD v4.1: 13 of 1,561,934 alleles (0.00083%); highest among the groups gnomAD compares: Non-Finnish European, 0.0011%; no homozygotes.

Submissions (5):

Ambry Genetics
Classification: Uncertain significance for Cardiovascular phenotype. Last evaluated: 2025-10-18. Review status: criteria provided, single submitter. Criteria: Ambry Variant Classification Scheme 2023. Collection method: clinical testing. Allele origin: germline.

Women's Health and Genetics/Laboratory Corporation of America, LabCorp
Classification: Uncertain significance. Last evaluated: 2024-12-20. Review status: criteria provided, single submitter. Criteria: LabCorp Variant Classification Summary - May 2015. Collection method: clinical testing. Allele origin: germline.

Color Diagnostics, LLC DBA Color Health
Classification: Uncertain significance for Familial hypercholesterolemia. Last evaluated: 2024-03-06. Review status: criteria provided, single submitter. Criteria: ACMG Guidelines, 2015. Collection method: clinical testing. Allele origin: germline.
Comment: This missense variant replaces proline with threonine at codon 12 of the PCSK9 protein. Computational prediction tools indicate that this variant has a neutral impact on protein structure and function. To our knowledge, functional studies have not been reported for this variant. This variant has not been reported in individuals affected with PCSK9-related disorders in the literature. This variant has been identified in 1/165418 chromosomes in the general population by the Genome Aggregation Database (gnomAD). The available evidence is insufficient to determine the role of this variant in disease conclusively. Therefore, this variant is classified as a Variant of Uncertain Significance.

All of Us Research Program, National Institutes of Health
Classification: Uncertain significance for Hypercholesterolemia, autosomal dominant, 3. Last evaluated: 2023-11-30. Review status: criteria provided, single submitter. Criteria: ACMG Guidelines, 2015. Collection method: clinical testing. Allele origin: germline. Inheritance: Autosomal dominant inheritance. Observed: 3 variant alleles, 3 heterozygotes.
Comment: Variant of Uncertain Significance due to insufficient evidence: This missense variant is located in the signal peptide sequence of the PCSK9 protein. Computational prediction tools and conservation analyses suggest that this variant may not impact the protein function. Computational splicing tools suggest that this variant may not impact RNA splicing. To our knowledge, functional assays have not been performed for this variant nor has this variant been reported in individuals affected with familial hypercholesterolemia in the literature. This variant is rare in the general population and has been identified in 0/277264 chromosomes by the Genome Aggregation Database (gnomAD). Available evidence is insufficient to determine the role of this variant in disease conclusively.

This study involves interpretation of variants in research participants for the purpose of population health screening. Participant phenotype was not available at the time of variant classification. Additional details can be found in publication PMID: 35346344, PMCID: PMC8962531

Fulgent Genetics
Classification: Uncertain significance for Hypercholesterolemia, autosomal dominant, 3. Last evaluated: 2021-10-29. Review status: criteria provided, single submitter. Criteria: ACMG Guidelines, 2015. Collection method: clinical testing. Allele origin: unknown.